The following is an entry in ClinVar:

NM_001080467.3(MYO5B):c.51C>A (p.Asp17Glu)

Gene: MYO5B (myosin VB; minus strand). Cytogenetic location: 18q21.1.
Variant type: single nucleotide variant.
Coding change: c.51C>A on transcript NM_001080467.3 (MANE Select); coding-DNA position 51, C replaced by A.
Protein change: p.Asp17Glu; replaces aspartic acid 17 with glutamic acid.
Molecular consequence: missense variant.
Genome position (GRCh38, 1-based): chr18:50,055,355, G>T on the plus strand (C>A on the coding strand, the complement: MYO5B is on the minus strand). VCF-style: chr18-50055355-G-T. GRCh37 (hg19) VCF-style: chr18-47581725-G-T.
Other names: short protein forms D17E.
Identifiers: ClinVar variation 2146652 (VCV002146652.1), dbSNP rs759325127, ClinGen allele CA8962028.
Genomic context (GRCh38, chr18:50,055,355, plus strand): 5'-GCTCTTGTCTCCTTCTTTGTAGTCCTTGGTTAACTCAGCTGAGCGCCATACCTCATCAGG[G>T]TCAGGGATCCAGACCCTTGTGCACTGAAAGATTAAAACAGAAGAAACTTAGATACAGAAC-3'
Protein context (NP_001073936.1, residues 7-27): YSQCTRVWIP[Asp17Glu]PDEVWRSAEL

ClinVar aggregate classification (germline): Uncertain significance (1 of 4 stars; one submission).

Allele frequency attached by ClinVar (database versions not stated): gnomAD exomes 0.00001; ExAC 0.00004.
gnomAD v4.1: 17 of 1,613,688 alleles (0.0011%); highest among the groups gnomAD compares: Non-Finnish European, 0.0012%; no homozygotes.

Submission:

Labcorp Genetics (formerly Invitae), Labcorp
Classification: Uncertain significance. Last evaluated: 2022-01-03. Review status: criteria provided, single submitter. Criteria: Invitae Variant Classification Sherloc (09022015). Collection method: clinical testing. Allele origin: germline.
Comment: This sequence change replaces aspartic acid, which is acidic and polar, with glutamic acid, which is acidic and polar, at codon 17 of the MYO5B protein (p.Asp17Glu). This variant is present in population databases (rs759325127, gnomAD 0.005%). This variant has not been reported in the literature in individuals affected with MYO5B-related conditions. Algorithms developed to predict the effect of missense changes on protein structure and function are either unavailable or do not agree on the potential impact of this missense change (SIFT: "Deleterious"; PolyPhen-2: "Probably Damaging"; Align-GVGD: "Class C0"). In summary, the available evidence is currently insufficient to determine the role of this variant in disease. Therefore, it has been classified as a Variant of Uncertain Significance.